The following is an entry in ClinVar:

NM_032229.3(SLITRK6):c.747C>A (p.Ser249Arg)

Gene: SLITRK6 (SLIT and NTRK like family member 6; minus strand). Cytogenetic location: 13q31.1.
Variant type: single nucleotide variant.
Coding change: c.747C>A on transcript NM_032229.3 (MANE Select); coding-DNA position 747, C replaced by A.
Protein change: p.Ser249Arg; replaces serine 249 with arginine.
Molecular consequence: missense variant.
Genome position (GRCh38, 1-based): chr13:85,795,762, G>T on the plus strand (C>A on the coding strand, the complement: SLITRK6 is on the minus strand). VCF-style: chr13-85795762-G-T. GRCh37 (hg19) VCF-style: chr13-86369897-G-T.
Other names: short protein forms S249R.
Identifiers: ClinVar variation 3367502 (VCV003367502.1).
Genomic context (GRCh38, chr13:85,795,762, plus strand): 5'-AGTAGGGCAAATAGATTCCTTCTTTAGTCTACTGAGTATACTTCCTTTAAAAAATGGAGG[G>T]CTGTTGCAGACAACATCACCAATTATAGACTGTGGAGGCATGTTCTCCAACCAAGTTTTT-3'
Protein context (NP_115605.2, residues 239-259): QSIIGDVVCN[Ser249Arg]PPFFKGSILS

ClinVar aggregate classification (germline): Uncertain significance (1 of 4 stars; one submission).

Submission:

GeneDx
Classification: Uncertain significance. Last evaluated: 2024-01-18. Review status: criteria provided, single submitter. Criteria: GeneDx Variant Classification Process June 2021. Collection method: clinical testing. Allele origin: germline. Affected: yes.
Comment: Not observed at significant frequency in large population cohorts (gnomAD); In silico analysis supports that this missense variant does not alter protein structure/function; Has not been previously published as pathogenic or benign to our knowledge